The following is an entry in ClinVar:

NM_032108.4(SEMA6B):c.1680-8C>T

Gene: SEMA6B (semaphorin 6B; minus strand). Cytogenetic location: 19p13.3.
Variant type: single nucleotide variant.
Coding change: c.1680-8C>T on transcript NM_032108.4 (MANE Select); 8 bases into the intron before coding-DNA position 1680, C replaced by T.
Molecular consequence: intron variant.
Genome position (GRCh38, 1-based): chr19:4,546,282, G>A on the plus strand (C>T on the coding strand, the complement: SEMA6B is on the minus strand). VCF-style: chr19-4546282-G-A. GRCh37 (hg19) VCF-style: chr19-4546294-G-A.
Identifiers: ClinVar variation 4873780 (VCV004873780.2).

ClinVar aggregate classification (germline): Likely benign (1 of 4 stars; one submission).

gnomAD v4.1: 92 of 1,613,338 alleles (0.0057%); highest among the groups gnomAD compares: East Asian, 0.19%; 1 homozygote.

Submission:

CeGaT Center for Human Genetics Tuebingen
Classification: Likely benign. Last evaluated: 2026-05-01. Review status: criteria provided, single submitter. Criteria: CeGaT Center For Human Genetics Tuebingen Variant Classification Criteria Version 2. Collection method: clinical testing. Allele origin: germline. Affected: yes. Observed: 1 variant allele.
Comment: SEMA6B: BP4, BS1